The following is an entry in ClinVar:

ClinVar aggregate classification (germline): Uncertain significance. Review status: criteria provided, multiple submitters, no conflicts (2 of 4 stars). 2 submissions from 2 submitters: Uncertain significance (2). Last evaluated 2026-01-15.

Conditions:
Gastrointestinal stromal tumor. Also called: Gastrointestinal stromal tumor, somatic; Gastrointestinal stroma tumor. Identifiers: Orphanet 44890, MedGen C0238198, MeSH D046152, MONDO:0011719, OMIM 606764, HP:0100723.
Hereditary cancer-predisposing syndrome. Also called: Neoplastic Syndromes, Hereditary; Hereditary Cancer Syndrome; Hereditary neoplastic syndrome; Tumor predisposition. Identifiers: Orphanet 140162, MedGen C0027672, MeSH D009386, MONDO:0015356.

Allele frequency attached by ClinVar (database versions not stated): gnomAD exomes below 0.00001.
gnomAD v4.1: 2 of 1,614,156 alleles (0.00012%); highest among the groups gnomAD compares: Non-Finnish European, 0.00017%; no homozygotes.

Submissions (2):

Ambry Genetics
Classification: Uncertain significance for Hereditary cancer-predisposing syndrome. Last evaluated: 2026-01-15. Review status: criteria provided, single submitter. Criteria: Ambry Variant Classification Scheme 2023. Collection method: clinical testing. Allele origin: germline.
Comment: The p.E1047D variant (also known as c.3141G>C), located in coding exon 22 of the PDGFRA gene, results from a G to C substitution at nucleotide position 3141. The glutamic acid at codon 1047 is replaced by aspartic acid, an amino acid with highly similar properties. This amino acid position is conserved. In addition, this alteration is predicted to be tolerated by in silico analysis. Based on the available evidence, the clinical significance of this variant remains unclear.

Labcorp Genetics (formerly Invitae), Labcorp
Classification: Uncertain significance for Gastrointestinal stromal tumor. Last evaluated: 2025-06-29. Review status: criteria provided, single submitter. Criteria: Invitae Variant Classification Sherloc (09022015). Collection method: clinical testing. Allele origin: germline.
Comment: This sequence change replaces glutamic acid, which is acidic and polar, with aspartic acid, which is acidic and polar, at codon 1047 of the PDGFRA protein (p.Glu1047Asp). This variant is not present in population databases (gnomAD no frequency). This variant has not been reported in the literature in individuals affected with PDGFRA-related conditions. ClinVar contains an entry for this variant (Variation ID: 407421). An algorithm developed to predict the effect of missense changes on protein structure and function (PolyPhen-2) suggests that this variant is likely to be disruptive. In summary, the available evidence is currently insufficient to determine the role of this variant in disease. Therefore, it has been classified as a Variant of Uncertain Significance.

NM_006206.6(PDGFRA):c.3141G>C (p.Glu1047Asp)

Gene: PDGFRA (platelet derived growth factor receptor alpha; plus strand). Cytogenetic location: 4q12.
Variant type: single nucleotide variant.
Coding change: c.3141G>C on transcript NM_006206.6 (MANE Select); coding-DNA position 3141, G replaced by C.
Protein change: p.Glu1047Asp; replaces glutamic acid 1047 with aspartic acid.
Molecular consequence: missense variant.
Genome position (GRCh38, 1-based): chr4:54,295,143, G>C. VCF-style: chr4-54295143-G-C. GRCh37 (hg19) VCF-style: chr4-55161310-G-C.
Other names: c.3216G>C, p.Glu1072Asp (NM_001347828.2); c.3141G>C, p.Glu1047Asp (NM_001347829.2); c.3180G>C, p.Glu1060Asp (NM_001347830.2); short protein forms E1047D, E1060D, E1072D.
Identifiers: ClinVar variation 407421 (VCV000407421.10), dbSNP rs1060501513, ClinGen allele CA16611573.